The following is an entry in ClinVar:

ClinVar aggregate classification (germline): Pathogenic/Likely pathogenic. Review status: criteria provided, multiple submitters, no conflicts (2 of 4 stars). 4 submissions from 4 submitters: Pathogenic (1); Likely pathogenic (3). Last evaluated 2025-11-14.

Conditions:
Stargardt disease (FFM). Also called: Fundus flavimaculatus; Stargardt's disease. Identifiers: Orphanet 827, MedGen C0271093, MONDO:0019353.
Retinal disorder. Also called: Retinopathy; Retinopathies; Retinal Diseases; Retinal disorders. Identifiers: MedGen C0035309, MONDO:0005283, HP:0000488.
Retinitis pigmentosa 19 (RP19). Also called: ABCA4-Related Retinitis Pigmentosa. Identifiers: Orphanet 791, MedGen C1866422, MONDO:0011137, OMIM 601718.
Cone-rod dystrophy 3 (CORD3). Identifiers: Orphanet 1872, MedGen C1858806, MONDO:0011395, OMIM 604116.
Age related macular degeneration 2. Also called: MACULOPATHY, AGE-RELATED; MACULAR DEGENERATION, SENILE; MACULOPATHY, AGE-RELATED, 2. Identifiers: MedGen C3495438, MONDO:0007932, OMIM 153800.
Severe early-childhood-onset retinal dystrophy (STGD1). Also called: STGD; Stargardt macular dystrophy; Juvenile onset macular degeneration; Stargardt disease 1; MACULAR DYSTROPHY WITH FLECKS, TYPE 1. Identifiers: Orphanet 364055, Orphanet 827, MedGen C1855465, MeSH D000080362, MONDO:0009549, OMIM 248200.

Allele frequency attached by ClinVar (database versions not stated): TOPMed 0.00001.

Submissions (4):

Genetics Laboratory, Great Ormond Street Hospital NHS Foundation Trust, North Thames Genomic Laboratory Hub
Classification: Likely pathogenic for Retinal disorders. Last evaluated: 2025-11-14. Review status: criteria provided, single submitter. Criteria: ACGS Best Practice Guidelines for Variant Classification in Rare Disease 2024 v1.2. Collection method: clinical testing. Allele origin: germline. Affected: yes.
Comment: PM2_moderate, PP3_supporting, PM5_moderate, PM1_moderate

Labcorp Genetics (formerly Invitae), Labcorp
Classification: Likely pathogenic. Last evaluated: 2025-10-01. Review status: criteria provided, single submitter. Criteria: Invitae Variant Classification Sherloc (09022015). Collection method: clinical testing. Allele origin: germline.
Comment: This sequence change replaces tyrosine, which is neutral and polar, with serine, which is neutral and polar, at codon 340 of the ABCA4 protein (p.Tyr340Ser). This variant is not present in population databases (gnomAD no frequency). This missense change has been observed in individual(s) with cone-rod dystrophy and/or inherited retinal disease (PMID: 38219857; internal data). ClinVar contains an entry for this variant (Variation ID: 1001082). Invitae Evidence Modeling of protein sequence and biophysical properties (such as structural, functional, and spatial information, amino acid conservation, physicochemical variation, residue mobility, and thermodynamic stability) indicates that this missense variant is expected to disrupt ABCA4 protein function with a positive predictive value of 95%. This variant disrupts the p.Tyr340 amino acid residue in ABCA4. Other variant(s) that disrupt this residue have been determined to be pathogenic (PMID: 28041643). This suggests that this residue is clinically significant, and that variants that disrupt this residue are likely to be disease-causing. In summary, the currently available evidence indicates that the variant is pathogenic, but additional data are needed to prove that conclusively. Therefore, this variant has been classified as Likely Pathogenic.

Women's Health and Genetics/Laboratory Corporation of America, LabCorp
Classification: Pathogenic for Stargardt disease. Last evaluated: 2025-07-15. Review status: criteria provided, single submitter. Criteria: LabCorp Variant Classification Summary - May 2015. Collection method: clinical testing. Allele origin: germline.
Comment: Variant summary: ABCA4 c.1019A>C (p.Tyr340Ser) results in a non-conservative amino acid change in the encoded protein sequence. Algorithms developed to predict the effect of missense changes on protein structure and function all suggest that this variant is likely to be disruptive. The variant was absent in 251178 control chromosomes. c.1019A>C has been observed in individual(s) affected with Stargardt disease (examples, Lin_2024, internal data). These data indicate that the variant may be associated with disease. To our knowledge, no experimental evidence demonstrating an impact on protein function has been reported. At-least two variants at theTyr340 residue have been reported Pathogenic/Likely Pathogenic with disease (p.Tyr340Cys/His in ClinVar), suggesting that this codon is functionally important. ClinVar contains an entry for this variant (Variation ID: 1001082). Based on the evidence outlined above, the variant was classified as pathogenic.

Fulgent Genetics
Classification: Likely pathogenic for Age related macular degeneration 2; Severe early-childhood-onset retinal dystrophy; Retinitis pigmentosa 19; Cone-rod dystrophy 3. Last evaluated: 2024-05-29. Review status: criteria provided, single submitter. Criteria: ACMG Guidelines, 2015. Collection method: clinical testing. Allele origin: germline.

Literature cited by the submitters: PubMed 38219857 (cited by Labcorp Genetics (formerly Invitae), Labcorp and Women's Health and Genetics/Laboratory Corporation of America, LabCorp); PubMed 28041643 (cited by Labcorp Genetics (formerly Invitae), Labcorp).

NM_000350.3(ABCA4):c.1019A>C (p.Tyr340Ser)

Gene: ABCA4 (ATP binding cassette subfamily A member 4; minus strand). Cytogenetic location: 1p22.1.
Variant type: single nucleotide variant.
Coding change: c.1019A>C on transcript NM_000350.3 (MANE Select); coding-DNA position 1019, A replaced by C.
Protein change: p.Tyr340Ser; replaces tyrosine 340 with serine.
Molecular consequence: missense variant.
Genome position (GRCh38, 1-based): chr1:94,080,558, T>G on the plus strand (A>C on the coding strand, the complement: ABCA4 is on the minus strand). VCF-style: chr1-94080558-T-G. GRCh37 (hg19) VCF-style: chr1-94546114-T-G.
Other names: c.1019A>C, p.Tyr340Ser (NM_001425324.1); c.1019A>C (NM_000350.2); short protein forms Y340S.
Identifiers: ClinVar variation 1001082 (VCV001001082.10), dbSNP rs1191143782, ClinGen allele CA341284121.